The following is an entry in ClinVar:

ClinVar aggregate classification (germline): Conflicting classifications of pathogenicity. Review status: criteria provided, conflicting classifications (1 of 4 stars). 5 submissions from 5 submitters: Uncertain significance (1); Likely benign (4). Last evaluated 2026-04-01.

Conditions:
L1CAM-related disorder. Also called: L1CAM-related condition.
Spastic paraplegia. Identifiers: MedGen C0037772, HP:0001258.

Allele frequency attached by ClinVar (database versions not stated): gnomAD 0.00006; gnomAD exomes 0.00010 and 0.00025; ExAC 0.00016; TOPMed 0.00018.
gnomAD v4.1: 120 of 1,209,590 alleles (0.0099%); highest among the groups gnomAD compares: Admixed American, 0.1%; no homozygotes.

Submissions (5):

CeGaT Center for Human Genetics Tuebingen
Classification: Likely benign. Last evaluated: 2026-04-01. Review status: criteria provided, single submitter. Criteria: CeGaT Center For Human Genetics Tuebingen Variant Classification Criteria Version 2. Collection method: clinical testing. Allele origin: germline. Affected: yes. Observed: 3 variant alleles.
Comment: L1CAM: BP4, BP7, BS2

Women's Health and Genetics/Laboratory Corporation of America, LabCorp
Classification: Likely benign. Last evaluated: 2026-03-18. Review status: criteria provided, single submitter. Criteria: LabCorp Variant Classification Summary - May 2015. Collection method: clinical testing. Allele origin: germline.

Labcorp Genetics (formerly Invitae), Labcorp
Classification: Likely benign for Spastic paraplegia. Last evaluated: 2025-12-15. Review status: criteria provided, single submitter. Criteria: Invitae Variant Classification Sherloc (09022015). Collection method: clinical testing. Allele origin: germline.

PreventionGenetics, part of Exact Sciences
Classification: Likely benign for L1CAM-related condition. Last evaluated: 2024-12-04. Review status: criteria provided, single submitter. Criteria: ACMG Guidelines, 2015. Collection method: clinical testing. Allele origin: germline.
Comment: This variant is classified as likely benign based on ACMG/AMP sequence variant interpretation guidelines (Richards et al. 2015 PMID: 25741868, with internal and published modifications).

Eurofins Ntd Llc (ga)
Classification: Uncertain significance. Last evaluated: 2016-01-13. Review status: criteria provided, single submitter. Criteria: EGL Classification Definitions 2015. Collection method: clinical testing. Allele origin: germline. Observed: 1 variant allele, 1 hemizygote.

NM_001278116.2(L1CAM):c.1107C>T (p.Asn369=)

Gene: L1CAM (L1 cell adhesion molecule; minus strand). Cytogenetic location: Xq28.
Variant type: single nucleotide variant.
Coding change: c.1107C>T on transcript NM_001278116.2 (MANE Select); coding-DNA position 1107, C replaced by T.
Protein change: p.Asn369=; no amino-acid change (asparagine 369 retained).
Molecular consequence: synonymous variant.
Genome position (GRCh38, 1-based): chrX:153,869,819, G>A on the plus strand (C>T on the coding strand, the complement: L1CAM is on the minus strand). VCF-style: chrX-153869819-G-A. GRCh37 (hg19) VCF-style: chrX-153135274-G-A.
Other names: c.1107C>T, p.Asn369= (NM_000425.5, NM_024003.3); c.1092C>T, p.Asn364= (NM_001143963.2).
Identifiers: ClinVar variation 285775 (VCV000285775.41), dbSNP rs200768501, ClinGen allele CA10554436.